The following is an entry in ClinVar:

NM_001173990.3(TMEM216):c.410T>C (p.Leu137Pro)

Gene: TMEM216 (transmembrane protein 216; plus strand). Cytogenetic location: 11q12.2.
Variant type: single nucleotide variant.
Coding change: c.410T>C on transcript NM_001173990.3 (MANE Select); coding-DNA position 410, T replaced by C.
Protein change: p.Leu137Pro; replaces leucine 137 with proline.
Molecular consequence: missense variant.
Genome position (GRCh38, 1-based): chr11:61,397,954, T>C. VCF-style: chr11-61397954-T-C. GRCh37 (hg19) VCF-style: chr11-61165426-T-C.
Other names: c.410T>C, p.Leu137Pro (NM_001173991.3); c.227T>C, p.Leu76Pro (NM_001330285.2, NM_016499.6); short protein forms L137P, L76P.
Identifiers: ClinVar variation 1349100 (VCV001349100.5), dbSNP rs1351762820, ClinGen allele CA380686620.

ClinVar aggregate classification (germline): Uncertain significance (1 of 4 stars; one submission).

Conditions:
Joubert syndrome. Also called: CEREBELLOPARENCHYMAL DISORDER IV; JOUBERT-BOLTSHAUSER SYNDROME; Familial aplasia of the vermis. Identifiers: Orphanet 475, MedGen C5979921, MONDO:0018772.

Allele frequency attached by ClinVar (database versions not stated): gnomAD exomes below 0.00001 and 0.00002.
gnomAD v4.1: 29 of 1,613,884 alleles (0.0018%); highest among the groups gnomAD compares: Non-Finnish European, 0.0025%; no homozygotes.

Submission:

Labcorp Genetics (formerly Invitae), Labcorp
Classification: Uncertain significance for Joubert syndrome. Last evaluated: 2021-09-24. Review status: criteria provided, single submitter. Criteria: Invitae Variant Classification Sherloc (09022015). Collection method: clinical testing. Allele origin: germline.
Comment: This sequence change replaces leucine with proline at codon 137 of the TMEM216 protein (p.Leu137Pro). The leucine residue is highly conserved and there is a moderate physicochemical difference between leucine and proline. This variant is not present in population databases (ExAC no frequency). This variant has not been reported in the literature in individuals with TMEM216-related conditions. Algorithms developed to predict the effect of missense changes on protein structure and function are either unavailable or do not agree on the potential impact of this missense change (SIFT: "Deleterious"; PolyPhen-2: "Probably Damaging"; Align-GVGD: "Class C0"). In summary, the available evidence is currently insufficient to determine the role of this variant in disease. Therefore, it has been classified as a Variant of Uncertain Significance.